The following is an entry in ClinVar:

ClinVar aggregate classification (germline): Likely benign. Review status: criteria provided, multiple submitters, no conflicts (2 of 4 stars). 2 submissions from 2 submitters: Likely benign (2). Last evaluated 2025-05-13.

Conditions:
Tuberous sclerosis 2 (TSC2). Identifiers: Orphanet 805, MedGen C1860707, MONDO:0013199, OMIM 613254.

gnomAD v4.1: 3 of 1,613,990 alleles (0.00019%); highest among the groups gnomAD compares: Non-Finnish European, 0.00025%; no homozygotes.

Submissions (2):

Myriad Genetics, Inc.
Classification: Likely benign for Tuberous sclerosis 2. Last evaluated: 2025-05-13. Review status: criteria provided, single submitter. Criteria: Myriad Autosomal Dominant, Autosomal Recessive and X-Linked Classification Criteria (2023). Collection method: clinical testing. Allele origin: unknown.
Comment: This variant is considered likely benign. This variant is intronic and is not expected to impact mRNA splicing.

Labcorp Genetics (formerly Invitae), Labcorp
Classification: Likely benign for Tuberous sclerosis 2. Last evaluated: 2023-02-27. Review status: criteria provided, single submitter. Criteria: Invitae Variant Classification Sherloc (09022015). Collection method: clinical testing. Allele origin: germline.

NM_000548.5(TSC2):c.1257+8C>T

Gene: TSC2 (TSC complex subunit 2; plus strand). Cytogenetic location: 16p13.3.
Variant type: single nucleotide variant.
Coding change: c.1257+8C>T on transcript NM_000548.5 (MANE Select); 8 bases into the intron after coding-DNA position 1257, C replaced by T.
Molecular consequence: intron variant.
Genome position (GRCh38, 1-based): chr16:2,062,016, C>T. VCF-style: chr16-2062016-C-T. GRCh37 (hg19) VCF-style: chr16-2112017-C-T.
Other names: c.-88+8C>T (NM_001406693.1, NM_001406689.1, NM_001406690.1 and 4 more transcripts); c.1347+8C>T (NM_001406667.1, NM_001406668.1); c.657+8C>T (NM_001406680.1, NM_001406683.1, NM_001406687.1 and 6 more transcripts); c.-264+8C>T (NM_001406698.1); c.1257+8C>T (NM_001114382.3, NM_001406663.1, NM_001406664.1 and 6 more transcripts); c.-56+8C>T (NM_001406694.1, NM_001406695.1); c.1245+8C>T (NM_001406671.1, NM_001406673.1); c.795+8C>T (NM_001406681.1); and 4 more.
Identifiers: ClinVar variation 2868618 (VCV002868618.4), dbSNP rs767392684, ClinGen allele CA2631117664.